The following is an entry in ClinVar:

NM_001110556.2(FLNA):c.2613C>T (p.Asp871=)

Gene: FLNA (filamin A; minus strand). Cytogenetic location: Xq28.
Variant type: single nucleotide variant.
Coding change: c.2613C>T on transcript NM_001110556.2 (MANE Select); coding-DNA position 2613, C replaced by T.
Protein change: p.Asp871=; no amino-acid change (aspartic acid 871 retained).
Molecular consequence: synonymous variant.
Genome position (GRCh38, 1-based): chrX:154,362,285, G>A on the plus strand (C>T on the coding strand, the complement: FLNA is on the minus strand). VCF-style: chrX-154362285-G-A. GRCh37 (hg19) VCF-style: chrX-153590653-G-A.
Other names: c.2613C>T, p.Asp871= (NM_001456.4).
Identifiers: ClinVar variation 211014 (VCV000211014.21), dbSNP rs188212919, ClinGen allele CA205241.
Genomic context (GRCh38, chrX:154,362,285, plus strand): 5'-GGGGTACCTGTCCTCACCAGTGCGACTGAGGCCAGGGCCCTCGGCCTTCACCTTACTGGC[G>A]TCATGAGAGGGCTCCACCTTGACTCGGATGGGGCTGGTGGGCGTGGCCTGCAGGCAGTGG-3'
Protein context (NP_001104026.1, residues 861-881): PIRVKVEPSH[Asp871=]ASKVKAEGPG

ClinVar aggregate classification (germline): Conflicting classifications of pathogenicity. Review status: criteria provided, conflicting classifications (1 of 4 stars). 6 submissions from 6 submitters: Uncertain significance (1); Benign (3); Likely benign (2). Last evaluated 2025-12-15.

Conditions:
Oto-palato-digital syndrome, type II (OPD2). Also called: FACIOPALATOOSSEOUS SYNDROME; Otopalatodigital Syndrome, Type II; Otopalatodigital Syndrome Type 2 (FLNA-OPD2); OPD II SYNDROME. Identifiers: Orphanet 669, Orphanet 90652, MedGen C1844696, MONDO:0010571, OMIM 304120.
Heterotopia, periventricular, X-linked dominant (PVNH1). Also called: X-linked periventricular heterotopia; PERIVENTRICULAR NODULAR HETEROTOPIA 1; PERIVENTRICULAR NODULAR HETEROTOPIA 4; HETEROTOPIA, PERIVENTRICULAR, 1. Identifiers: Orphanet 2149, Orphanet 82004, MedGen C1848213, MONDO:0010233, OMIM 300049.
Frontometaphyseal dysplasia (FMD1). Identifiers: Orphanet 1826, MedGen C0265293, MONDO:0015942.
Melnick-Needles syndrome (MNS). Also called: Melnick-Needles Syndrome (FLNA-MNS); MELNICK-NEEDLES OSTEODYSPLASTY; OSTEODYSPLASTY OF MELNICK AND NEEDLES. Identifiers: Orphanet 2484, MedGen C0025237, MONDO:0010650, OMIM 309350.
Familial thoracic aortic aneurysm and aortic dissection (TAAD). Also called: Thoracic aortic aneurysms and dissections. Identifiers: Orphanet 91387, MedGen C4707243, MONDO:0019625.

Allele frequency attached by ClinVar (database versions not stated): gnomAD 0.00003 and 0.00008; gnomAD exomes 0.00019 and 0.00038; TOPMed 0.00026; ExAC 0.00036; 1000 Genomes Project 30x 0.00062; 1000 Genomes Project 0.00079.
gnomAD v4.1: 215 of 1,209,800 alleles (0.018%); highest among the groups gnomAD compares: East Asian, 0.35%; no homozygotes.

Submissions (6):

Labcorp Genetics (formerly Invitae), Labcorp
Classification: Benign for Oto-palato-digital syndrome, type II; Heterotopia, periventricular, X-linked dominant; Frontometaphyseal dysplasia; Melnick-Needles syndrome. Last evaluated: 2025-12-15. Review status: criteria provided, single submitter. Criteria: Invitae Variant Classification Sherloc (09022015). Collection method: clinical testing. Allele origin: germline.

Blueprint Genetics
Classification: Likely benign. Last evaluated: 2024-02-13. Review status: criteria provided, single submitter. Criteria: ACMG Guidelines, 2015. Collection method: clinical testing. Allele origin: germline.

Ambry Genetics
Classification: Likely benign for Familial thoracic aortic aneurysm and aortic dissection. Last evaluated: 2022-02-20. Review status: criteria provided, single submitter. Criteria: Ambry Variant Classification Scheme 2023. Collection method: clinical testing. Allele origin: germline.

Athena Diagnostics
Classification: Benign. Last evaluated: 2018-04-27. Review status: criteria provided, single submitter. Criteria: Athena Diagnostics Criteria. Collection method: clinical testing. Allele origin: germline.

GeneDx
Classification: Benign. Last evaluated: 2017-04-26. Review status: criteria provided, single submitter. Criteria: GeneDx Variant Classification (06012015). Collection method: clinical testing. Allele origin: germline. Affected: yes.
Comment: This variant is considered likely benign or benign based on one or more of the following criteria: it is a conservative change, it occurs at a poorly conserved position in the protein, it is predicted to be benign by multiple in silico algorithms, and/or has population frequency not consistent with disease.

Genetic Services Laboratory, University of Chicago
Classification: Uncertain significance. Last evaluated: 2014-10-24. Review status: criteria provided, single submitter. Criteria: ACMG Guidelines, 2015. Collection method: clinical testing. Allele origin: germline.